The following is an entry in ClinVar:

NM_000170.3(GLDC):c.2594del (p.Leu865fs)

Gene: GLDC (glycine decarboxylase; minus strand). Cytogenetic location: 9p24.1.
Variant type: Deletion.
Coding change: c.2594del on transcript NM_000170.3 (MANE Select); coding-DNA position 2594, one base deleted (T; older notation c.2594delT).
Protein change: p.Leu865fs; shifts the reading frame from leucine 865.
Molecular consequence: frameshift variant.
Genome position (GRCh38, 1-based): chr9:6,540,122, A deleted on the plus strand (T on the coding strand, the reverse complement: GLDC is on the minus strand); the first of 4 consecutive A bases (chr9:6,540,122-6,540,125); deleting any one gives the same sequence. VCF-style (leftmost placement, unchanged base first): chr9-6540121-CA-C. GRCh37 (hg19) VCF-style: chr9-6540121-CA-C.
Other names: short protein forms L865fs.
Identifiers: ClinVar variation 2750771 (VCV002750771.3), dbSNP rs2489015973, ClinGen allele CA2697550294.

ClinVar aggregate classification (germline): Pathogenic (1 of 4 stars; one submission).

Conditions:
Glycine encephalopathy. Also called: Nonketotic hyperglycinemia; Non-ketotic hyperglycinemia. Identifiers: Orphanet 407, MedGen C0751748, MONDO:0011612, HP:0008288.

Submission:

Labcorp Genetics (formerly Invitae), Labcorp
Classification: Pathogenic for Glycine encephalopathy. Last evaluated: 2023-08-07. Review status: criteria provided, single submitter. Criteria: Invitae Variant Classification Sherloc (09022015). Collection method: clinical testing. Allele origin: germline.
Comment: For these reasons, this variant has been classified as Pathogenic. This variant has not been reported in the literature in individuals affected with GLDC-related conditions. This variant is not present in population databases (gnomAD no frequency). This sequence change creates a premature translational stop signal (p.Leu865Trpfs*59) in the GLDC gene. It is expected to result in an absent or disrupted protein product. Loss-of-function variants in GLDC are known to be pathogenic (PMID: 16601880).

Literature cited by the submitters: PubMed 16601880.